The following is an entry in ClinVar:

ClinVar aggregate classification (germline): Uncertain significance. Review status: criteria provided, multiple submitters, no conflicts (2 of 4 stars). 2 submissions from 2 submitters: Uncertain significance (2). Last evaluated 2025-03-19.

Conditions:
Inborn genetic diseases. Identifiers: MedGen C0950123, MeSH D030342.

Allele frequency attached by ClinVar (database versions not stated): TOPMed 0.00002; gnomAD 0.00003 and 0.00004; ESP Exome Variant Server 0.00008; ExAC 0.00003; gnomAD exomes 0.00002.
gnomAD v4.1: 40 of 1,608,568 alleles (0.0025%); highest among the groups gnomAD compares: Non-Finnish European, 0.0033%; no homozygotes.

Submissions (2):

Ambry Genetics
Classification: Uncertain significance for Inborn genetic diseases. Last evaluated: 2025-03-19. Review status: criteria provided, single submitter. Criteria: Ambry Variant Classification Scheme 2023. Collection method: clinical testing. Allele origin: germline.

Labcorp Genetics (formerly Invitae), Labcorp
Classification: Uncertain significance. Last evaluated: 2022-05-25. Review status: criteria provided, single submitter. Criteria: Invitae Variant Classification Sherloc (09022015). Collection method: clinical testing. Allele origin: germline.
Comment: This sequence change replaces alanine, which is neutral and non-polar, with valine, which is neutral and non-polar, at codon 651 of the NBAS protein (p.Ala651Val). This variant is present in population databases (rs376604894, gnomAD 0.006%). This variant has not been reported in the literature in individuals affected with NBAS-related conditions. Algorithms developed to predict the effect of missense changes on protein structure and function are either unavailable or do not agree on the potential impact of this missense change (SIFT: "Deleterious"; PolyPhen-2: "Benign"; Align-GVGD: "Class C55"). In summary, the available evidence is currently insufficient to determine the role of this variant in disease. Therefore, it has been classified as a Variant of Uncertain Significance.

NM_015909.4(NBAS):c.1952C>T (p.Ala651Val)

Gene: NBAS (NBAS subunit of NRZ tethering complex; minus strand). Cytogenetic location: 2p24.3.
Variant type: single nucleotide variant.
Coding change: c.1952C>T on transcript NM_015909.4 (MANE Select); coding-DNA position 1952, C replaced by T.
Protein change: p.Ala651Val; replaces alanine 651 with valine.
Molecular consequence: missense variant. On other transcripts: non-coding transcript variant (1).
Genome position (GRCh38, 1-based): chr2:15,467,730, G>A on the plus strand (C>T on the coding strand, the complement: NBAS is on the minus strand). VCF-style: chr2-15467730-G-A. GRCh37 (hg19) VCF-style: chr2-15607854-G-A.
Other names: c.1952C>T (NM_015909.2); short protein forms A651V.
Identifiers: ClinVar variation 1498091 (VCV001498091.6), dbSNP rs376604894, ClinGen allele CA1536508.